The following is an entry in ClinVar:

NM_019892.6(INPP5E):c.1125C>T (p.Leu375=)

Gene: INPP5E (inositol polyphosphate-5-phosphatase E; minus strand). Cytogenetic location: 9q34.3.
Variant type: single nucleotide variant.
Coding change: c.1125C>T on transcript NM_019892.6 (MANE Select); coding-DNA position 1125, C replaced by T.
Protein change: p.Leu375=; no amino-acid change (leucine 375 retained).
Molecular consequence: synonymous variant.
Genome position (GRCh38, 1-based): chr9:136,433,189, G>A on the plus strand (C>T on the coding strand, the complement: INPP5E is on the minus strand). VCF-style: chr9-136433189-G-A. GRCh37 (hg19) VCF-style: chr9-139327641-G-A.
Other names: c.1125C>T, p.Leu375= (NM_001318502.2); c.1125C>T (NM_019892.5).
Identifiers: ClinVar variation 702909 (VCV000702909.4), dbSNP rs1339976754, ClinGen allele CA467722196.

ClinVar aggregate classification (germline): Likely benign. Review status: criteria provided, single submitter (1 of 4 stars). 2 submissions from 2 submitters: Likely benign (1). 1 of the submissions does not count toward it. Last evaluated 2017-10-03.

Conditions:
INPP5E-related disorder. Also called: INPP5E-related condition.

gnomAD v4.1: 2 of 1,594,100 alleles (0.00013%); highest among the groups gnomAD compares: Admixed American, 0.0017%; no homozygotes.

Submissions (2):

Labcorp Genetics (formerly Invitae), Labcorp
Classification: Likely benign. Last evaluated: 2017-10-03. Review status: criteria provided, single submitter. Criteria: Invitae Variant Classification Sherloc (09022015). Collection method: clinical testing. Allele origin: germline.

PreventionGenetics, part of Exact Sciences
Classification: Likely benign for INPP5E-related condition. Last evaluated: 2021-07-09. Review status: no assertion criteria provided. Collection method: clinical testing. Allele origin: germline. Not counted in ClinVar's aggregate classification.
Comment: This variant is classified as likely benign based on ACMG/AMP sequence variant interpretation guidelines (Richards et al. 2015 PMID: 25741868, with internal and published modifications).